The following is an entry in ClinVar:

ClinVar aggregate classification (germline): Likely benign (1 of 4 stars; one submission).

Conditions:
ADH5-related condition.

gnomAD v4.1: 1,006 of 1,613,668 alleles (0.062%); highest among the groups gnomAD compares: Non-Finnish European, 0.075%; no homozygotes.

Submission:

PreventionGenetics, part of Exact Sciences
Classification: Likely benign for ADH5-related condition. Last evaluated: 2026-03-06. Review status: criteria provided, single submitter. Criteria: ACMG Guidelines, 2015. Collection method: clinical testing. Allele origin: germline.
Comment: This variant is classified as likely benign based on ACMG/AMP sequence variant interpretation guidelines (Richards et al. 2015 PMID: 25741868, with internal and published modifications).

NM_000671.4(ADH5):c.129G>A (p.Ala43=)

Gene: ADH5 (alcohol dehydrogenase 5 (class III), chi polypeptide; minus strand). Cytogenetic location: 4q23.
Variant type: single nucleotide variant.
Coding change: c.129G>A on transcript NM_000671.4 (MANE Select); coding-DNA position 129, G replaced by A.
Protein change: p.Ala43=; no amino-acid change (alanine 43 retained).
Molecular consequence: synonymous variant.
Genome position (GRCh38, 1-based): chr4:99,082,102, C>T on the plus strand (G>A on the coding strand, the complement: ADH5 is on the minus strand). VCF-style: chr4-99082102-C-T. GRCh37 (hg19) VCF-style: chr4-100003253-C-T.
Identifiers: ClinVar variation 4980905 (VCV004980905.1).